The following is an entry in ClinVar:

ClinVar aggregate classification (germline): Pathogenic (1 of 4 stars; one submission).

Conditions:
Mucopolysaccharidosis, MPS-II (MPS2). Also called: Hunter Syndrome; IDURONATE 2-SULFATASE DEFICIENCY; Mucopolysaccharidosis Type II; Mucopolysaccharidosis type 2; Attenuated MPS (subtype; formerly known as mild MPS II); Severe MPS II. Identifiers: Orphanet 580, Orphanet 79388, MedGen C0026705, MONDO:0010674, OMIM 309900.

Submission:

Laboratory of Diagnosis and Therapy of Lysosomal Disorders, University of Padova
Classification: Pathogenic for Mucopolysaccharidosis, MPS-II. Last evaluated: 2024-06-07. Review status: criteria provided, single submitter. Criteria: ACMG Guidelines, 2015. Collection method: literature only. Allele origin: germline. Affected: yes. Observed: 3 variant alleles.
Comment: Null variant (PVS1_Strong), In vitro or in vivo functional studies supportive of a damaging effect (PS3_Strong), Absent from controls (or at low frequency) in gnomAD database (PM2_Moderate), Patient’s phenotype or family history highly specific for the disease (PP4_Moderate)

Classification method: ACMG Guidelines [PMID:25741868] with modifications

Literature cited by the submitters: PubMed 15614569; PubMed 31877959; PubMed 9266380.

NM_000202.8(IDS):c.1561G>T (p.Glu521Ter)

Gene: IDS (iduronate 2-sulfatase; minus strand). Cytogenetic location: Xq28.
Variant type: single nucleotide variant.
Coding change: c.1561G>T on transcript NM_000202.8 (MANE Select); coding-DNA position 1561, G replaced by T.
Protein change: p.Glu521Ter; replaces glutamic acid 521 with a stop codon.
Molecular consequence: nonsense.
Genome position (GRCh38, 1-based): chrX:149,482,838, C>A on the plus strand (G>T on the coding strand, the complement: IDS is on the minus strand). VCF-style: chrX-149482838-C-A. GRCh37 (hg19) VCF-style: chrX-148564369-C-A.
Other names: c.1291G>T, p.Glu431Ter (NM_001166550.4); short protein forms E431*, E521*.
Identifiers: ClinVar variation 3256082 (VCV003256082.2).
Genomic context (GRCh38, chrX:149,482,838, plus strand): 5'-CTTGGGAATCATTATACATATTGTGATCCTGCAATGGGTCAGAATCCACAAAATACAGTT[C>A]CCCTGCATGGATGTCAGAAAAGTTAGCTAGAAATTCATCAGGATTGAAGCCAACCCACAC-3'